The following is an entry in ClinVar:

NM_001305581.2(LRMDA):c.249C>A (p.Asn83Lys)

Genes: LRMDA (leucine rich melanocyte differentiation associated; plus strand), LOC110121427 (VISTA enhancer hs1679; plus strand). Cytogenetic location: 10q22.3.
Variant type: single nucleotide variant.
Coding change: c.249C>A on transcript NM_001305581.2 (MANE Select); coding-DNA position 249, C replaced by A.
Protein change: p.Asn83Lys; replaces asparagine 83 with lysine.
Molecular consequence: missense variant. On other transcripts: non-coding transcript variant (1).
Genome position (GRCh38, 1-based): chr10:76,036,125, C>A. VCF-style: chr10-76036125-C-A. GRCh37 (hg19) VCF-style: chr10-77795883-C-A.
Other names: c.165C>A, p.Asn55Lys (NM_032024.5); short protein forms N55K, N83K.
Identifiers: ClinVar variation 1968603 (VCV001968603.5), dbSNP rs781718433, ClinGen allele CA377400832.

ClinVar aggregate classification (germline): Uncertain significance (1 of 4 stars; one submission).

Allele frequency attached by ClinVar (database versions not stated): gnomAD 0.00001.
gnomAD v4.1: 5 of 1,613,582 alleles (0.00031%); highest among the groups gnomAD compares: Non-Finnish European, 0.00042%; no homozygotes.

Submission:

Labcorp Genetics (formerly Invitae), Labcorp
Classification: Uncertain significance. Last evaluated: 2022-03-14. Review status: criteria provided, single submitter. Criteria: Invitae Variant Classification Sherloc (09022015). Collection method: clinical testing. Allele origin: germline.
Comment: Algorithms developed to predict the effect of missense changes on protein structure and function are either unavailable or do not agree on the potential impact of this missense change (SIFT: "Tolerated"; PolyPhen-2: "Probably Damaging"; Align-GVGD: "Class C0"). This variant has not been reported in the literature in individuals affected with C10orf11-related conditions. The frequency data for this variant in the population databases is considered unreliable, as metrics indicate poor data quality at this position in the gnomAD database. This sequence change replaces asparagine, which is neutral and polar, with lysine, which is basic and polar, at codon 55 of the C10orf11 protein (p.Asn55Lys). In summary, the available evidence is currently insufficient to determine the role of this variant in disease. Therefore, it has been classified as a Variant of Uncertain Significance.